The following is an entry in ClinVar:

NM_014991.6(WDFY3):c.6874C>T (p.Arg2292Ter)

Gene: WDFY3 (WD repeat and FYVE domain containing 3; minus strand). Cytogenetic location: 4q21.23.
Variant type: single nucleotide variant.
Coding change: c.6874C>T on transcript NM_014991.6 (MANE Select); coding-DNA position 6874, C replaced by T.
Protein change: p.Arg2292Ter; replaces arginine 2292 with a stop codon.
Molecular consequence: nonsense.
Genome position (GRCh38, 1-based): chr4:84,736,211, G>A on the plus strand (C>T on the coding strand, the complement: WDFY3 is on the minus strand). VCF-style: chr4-84736211-G-A. GRCh37 (hg19) VCF-style: chr4-85657364-G-A.
Other names: short protein forms R2292*.
Identifiers: ClinVar variation 4077201 (VCV004077201.1).

ClinVar aggregate classification (germline): Pathogenic (1 of 4 stars; one submission).

Submission:

GeneDx
Classification: Pathogenic. Last evaluated: 2024-11-19. Review status: criteria provided, single submitter. Criteria: GeneDx Variant Classification Process June 2021. Collection method: clinical testing. Allele origin: germline. Affected: yes.
Comment: Nonsense variant predicted to result in protein truncation or nonsense mediated decay in a gene for which loss of function is a known mechanism of disease; Not observed at significant frequency in large population cohorts (gnomAD); Has not been previously published as pathogenic or benign to our knowledge